The following is an entry in ClinVar:

ClinVar aggregate classification (germline): Pathogenic (0 of 4 stars; one submission).

Conditions:
Craniosynostosis syndrome. Also called: Craniosynostosis. Identifiers: Orphanet 1531, MedGen C0010278, MeSH D003398, MONDO:0015469, HP:0001363.
Intellectual disability, autosomal dominant. Identifiers: MedGen CN240835, MONDO:0100172.

Submission:

Muenke lab, National Institutes of Health
Classification: Pathogenic for Intellectual disability, autosomal dominant; Craniosynostosis syndrome. Last evaluated: 2017-01-25. Review status: no assertion criteria provided. Collection method: research. Allele origin: de novo. Inheritance: Autosomal dominant inheritance. Affected: yes. Observed: 1 variant allele, 1 heterozygote.
Comment: Haploinsufficiency of ZNF462 was found in 4 individuals with overlapping phenotypes

NM_021224.6(ZNF462):c.4263del (p.Glu1422fs)

Gene: ZNF462 (zinc finger protein 462; plus strand). Cytogenetic location: 9q31.2.
Variant type: Deletion.
Coding change: c.4263del on transcript NM_021224.6 (MANE Select); coding-DNA position 4263, one base deleted (A; older notation c.4263delA).
Protein change: p.Glu1422fs; shifts the reading frame from glutamic acid 1422.
Molecular consequence: frameshift variant. On other transcripts: intron variant (1).
Genome position (GRCh38, 1-based): chr9:106,928,175, A deleted; the last of 2 consecutive A bases (chr9:106,928,174-106,928,175); deleting either gives the same sequence. VCF-style (leftmost placement, unchanged base first): chr9-106928173-GA-G. GRCh37 (hg19) VCF-style: chr9-109690454-GA-G.
Other names: c.3252+1011del (NM_001347997.2); short protein forms E1422fs.
Identifiers: ClinVar variation 402117 (VCV000402117.2), dbSNP rs1060499551, ClinGen allele CA16609492.